The following is an entry in ClinVar:

NM_021098.3(CACNA1H):c.1565A>G (p.His522Arg)

Gene: CACNA1H (calcium voltage-gated channel subunit alpha1 H; plus strand). Cytogenetic location: 16p13.3.
Variant type: single nucleotide variant.
Coding change: c.1565A>G on transcript NM_021098.3 (MANE Select); coding-DNA position 1565, A replaced by G.
Protein change: p.His522Arg; replaces histidine 522 with arginine.
Molecular consequence: missense variant.
Genome position (GRCh38, 1-based): chr16:1,202,015, A>G. VCF-style: chr16-1202015-A-G. GRCh37 (hg19) VCF-style: chr16-1252015-A-G.
Other names: c.1565A>G, p.His522Arg (NM_001005407.2); short protein forms H522R.
Identifiers: ClinVar variation 1675284 (VCV001675284.4), dbSNP rs1967991363, ClinGen allele CA394161308.

ClinVar aggregate classification (germline): Uncertain significance. Review status: criteria provided, multiple submitters, no conflicts (2 of 4 stars). 3 submissions from 3 submitters: Uncertain significance (3). Last evaluated 2025-05-16.

Conditions:
Inborn genetic diseases. Identifiers: MedGen C0950123, MeSH D030342.
Epilepsy, childhood absence, susceptibility to, 6. Identifiers: Orphanet 64280, MedGen C2749872, MONDO:0012763, OMIM 611942.

Allele frequency attached by ClinVar (database versions not stated): TOPMed below 0.00001.

Submissions (3):

Ambry Genetics
Classification: Uncertain significance for Inborn genetic diseases. Last evaluated: 2025-05-16. Review status: criteria provided, single submitter. Criteria: Ambry Variant Classification Scheme 2023. Collection method: clinical testing. Allele origin: germline.

3billion
Classification: Uncertain significance for Epilepsy, childhood absence, susceptibility to, 6. Last evaluated: 2025-04-18. Review status: criteria provided, single submitter. Criteria: ACMG Guidelines, 2015. Collection method: clinical testing. Allele origin: germline. Affected: yes.

GeneDx
Classification: Uncertain significance. Last evaluated: 2021-10-01. Review status: criteria provided, single submitter. Criteria: GeneDx Variant Classification Process June 2021. Collection method: clinical testing. Allele origin: germline. Affected: yes.
Comment: Not observed at significant frequency in large population cohorts (gnomAD); In silico analysis supports that this missense variant has a deleterious effect on protein structure/function; Has not been previously published as pathogenic or benign to our knowledge